The following is an entry in ClinVar:

ClinVar aggregate classification (germline): Likely benign (1 of 4 stars; one submission).

Conditions:
CLDN1-related disorder. Also called: CLDN1-related condition.

gnomAD v4.1: 7 of 1,613,694 alleles (0.00043%); highest among the groups gnomAD compares: African/African-American, 0.0093%; no homozygotes.

Submission:

PreventionGenetics, part of Exact Sciences
Classification: Likely benign for CLDN1-related condition. Last evaluated: 2026-02-03. Review status: criteria provided, single submitter. Criteria: ACMG Guidelines, 2015. Collection method: clinical testing. Allele origin: germline.
Comment: This variant is classified as likely benign based on ACMG/AMP sequence variant interpretation guidelines (Richards et al. 2015 PMID: 25741868, with internal and published modifications).

NM_021101.5(CLDN1):c.627C>T (p.Asp209=)

Genes: CLDN1 (claudin 1; minus strand), CLDN16 (claudin 16; plus strand). Cytogenetic location: 3q28.
Variant type: single nucleotide variant.
Coding change: c.627C>T on transcript NM_021101.5 (MANE Select); coding-DNA position 627, C replaced by T.
Protein change: p.Asp209=; no amino-acid change (aspartic acid 209 retained).
Molecular consequence: synonymous variant. On other transcripts: intron variant (2).
Genome position (GRCh38, 1-based): chr3:190,308,286, G>A on the plus strand (C>T on the coding strand, the complement: CLDN1 is on the minus strand). VCF-style: chr3-190308286-G-A. GRCh37 (hg19) VCF-style: chr3-190026075-G-A.
Other names: c.-445-6607G>A (NM_001378492.1); c.-279+17695G>A (NM_001378493.1).
Identifiers: ClinVar variation 4987547 (VCV004987547.1).
Genomic context (GRCh38, chr3:190,308,286, plus strand): 5'-AATGTCCATTTTCGGTTTGTTTCAACATGATTTTCTCCTTTTGCCTCTGTGTCACACGTA[G>A]TCTTTCCCGCTGGAAGGTGCAGGTTTTGGATAGGGCCTTGGTGTTGGGTAAGAGGTTGTT-3'
Protein context (NP_066924.1, residues 199-211): YPKPAPSSGK[Asp209=]YV